The following is an entry in ClinVar:

NM_007272.3(CTRC):c.452A>G (p.Lys151Arg)

Gene: CTRC (chymotrypsin C; plus strand). Cytogenetic location: 1p36.21.
Variant type: single nucleotide variant.
Coding change: c.452A>G on transcript NM_007272.3 (MANE Select); coding-DNA position 452, A replaced by G.
Protein change: p.Lys151Arg; replaces lysine 151 with arginine.
Molecular consequence: missense variant.
Genome position (GRCh38, 1-based): chr1:15,443,514, A>G. VCF-style: chr1-15443514-A-G. GRCh37 (hg19) VCF-style: chr1-15770009-A-G.
Other names: short protein forms K151R.
Identifiers: ClinVar variation 1741253 (VCV001741253.3), dbSNP rs1031842050, ClinGen allele CA18252395.

ClinVar aggregate classification (germline): Uncertain significance (1 of 4 stars; one submission).

Conditions:
Hereditary pancreatitis (PCTT). Also called: Hereditary chronic pancreatitis; PRSS1-Related Hereditary Pancreatitis. Identifiers: Orphanet 676, MedGen C0238339, MONDO:0008185, OMIM 167800.

Allele frequency attached by ClinVar (database versions not stated): gnomAD exomes 0.00001.
gnomAD v4.1: 21 of 1,614,204 alleles (0.0013%); highest among the groups gnomAD compares: Non-Finnish European, 0.0017%; no homozygotes.

Submission:

Ambry Genetics
Classification: Uncertain significance for Hereditary pancreatitis. Last evaluated: 2025-06-10. Review status: criteria provided, single submitter. Criteria: Ambry Variant Classification Scheme 2023. Collection method: clinical testing. Allele origin: germline.
Comment: The p.K151R variant (also known as c.452A>G), located in coding exon 5 of the CTRC gene, results from an A to G substitution at nucleotide position 452. The lysine at codon 151 is replaced by arginine, an amino acid with highly similar properties. This amino acid position is conserved. In addition, this alteration is predicted to be tolerated by in silico analysis. Since supporting evidence is limited at this time, the clinical significance of this alteration remains unclear.